The following is an entry in ClinVar:

ClinVar aggregate classification (germline): Uncertain significance (1 of 4 stars; one submission).

gnomAD v4.1: 3 of 1,608,360 alleles (0.00019%); highest among the groups gnomAD compares: Non-Finnish European, 0.00017%; no homozygotes.

Submission:

Women's Health and Genetics/Laboratory Corporation of America, LabCorp
Classification: Uncertain significance. Last evaluated: 2023-08-14. Review status: criteria provided, single submitter. Criteria: LabCorp Variant Classification Summary - May 2015. Collection method: clinical testing. Allele origin: germline.
Comment: Variant summary: C4orf21 (also known as ZGRF1) c.5089A>G (p.Thr1697Ala) results in a non-conservative amino acid change in the encoded protein sequence. Five of five in-silico tools predict a damaging effect of the variant on protein function. The variant was absent in 245130 control chromosomes (gnomAD). The available data on variant occurrences in the general population are insufficient to allow any conclusion about variant significance. To our knowledge, no occurrence of c.5089A>G in individuals affected with ZGRF1-Related Disorders and no experimental evidence demonstrating its impact on protein function have been reported. No submitters have cited clinical-significance assessments for this variant to ClinVar after 2014. Based on the evidence outlined above, the variant was classified as uncertain significance.

NM_018392.5(ZGRF1):c.5089A>G (p.Thr1697Ala)

Gene: ZGRF1 (zinc finger GRF-type containing 1; minus strand). Cytogenetic location: 4q25.
Variant type: single nucleotide variant.
Coding change: c.5089A>G on transcript NM_018392.5 (MANE Select); coding-DNA position 5089, A replaced by G.
Protein change: p.Thr1697Ala; replaces threonine 1697 with alanine.
Molecular consequence: missense variant.
Genome position (GRCh38, 1-based): chr4:112,558,181, T>C on the plus strand (A>G on the coding strand, the complement: ZGRF1 is on the minus strand). VCF-style: chr4-112558181-T-C. GRCh37 (hg19) VCF-style: chr4-113479337-T-C.
Other names: c.4915A>G, p.Thr1639Ala (NM_001350397.2); short protein forms T1639A, T1697A.
Identifiers: ClinVar variation 2627364 (VCV002627364.1), dbSNP rs991608096, ClinGen allele CA3047747.
Genomic context (GRCh38, chr4:112,558,181, plus strand): 5'-AGCTACTTAAATGCACTTGTCATGCCTACCCAAGAAGTACTCTGTCAACAGCCACATTAG[T>C]AGAAGAAGAAATCAGAAGTTTCCACGGCCTTGCATTTCCAATGGTGGGAGCTTCACTCTT-3'
Protein context (NP_060862.3, residues 1687-1707): RPWKLLISSS[Thr1697Ala]NVAVDRVLLG